The following is an entry in ClinVar:

ClinVar aggregate classification (germline): Likely benign (0 of 4 stars; one submission).

Conditions:
PTPRJ-related disorder. Also called: PTPRJ-related condition.

Allele frequency attached by ClinVar (database versions not stated): TOPMed 0.00009; gnomAD 0.00013; ExAC 0.00021; 1000 Genomes Project 30x 0.00031; 1000 Genomes Project 0.00040.
gnomAD v4.1: 161 of 1,614,136 alleles (0.01%); highest among the groups gnomAD compares: South Asian, 0.14%; 6 homozygotes.

Submission:

PreventionGenetics, part of Exact Sciences
Classification: Likely benign for PTPRJ-related condition. Last evaluated: 2022-02-07. Review status: no assertion criteria provided. Collection method: clinical testing. Allele origin: germline.
Comment: This variant is classified as likely benign based on ACMG/AMP sequence variant interpretation guidelines (Richards et al. 2015 PMID: 25741868, with internal and published modifications).

NM_002843.4(PTPRJ):c.2181C>T (p.Cys727=)

Gene: PTPRJ (protein tyrosine phosphatase receptor type J; plus strand). Cytogenetic location: 11p11.2.
Variant type: single nucleotide variant.
Coding change: c.2181C>T on transcript NM_002843.4 (MANE Select); coding-DNA position 2181, C replaced by T.
Protein change: p.Cys727=; no amino-acid change (cysteine 727 retained).
Molecular consequence: synonymous variant.
Genome position (GRCh38, 1-based): chr11:48,139,514, C>T. VCF-style: chr11-48139514-C-T. GRCh37 (hg19) VCF-style: chr11-48161066-C-T.
Identifiers: ClinVar variation 3051776 (VCV003051776.2), dbSNP rs559753032, ClinGen allele CA5982376.